The following is an entry in ClinVar:

ClinVar aggregate classification (germline): Likely benign. Review status: criteria provided, multiple submitters, no conflicts (2 of 4 stars). 4 submissions from 4 submitters: Likely benign (4). Last evaluated 2024-07-20.

Conditions:
Familial thoracic aortic aneurysm and aortic dissection (TAAD). Also called: Thoracic aortic aneurysms and dissections. Identifiers: Orphanet 91387, MedGen C4707243, MONDO:0019625.
Marfan syndrome (MFS). Also called: Marfan syndrome, classic; Marfan syndrome type 1; Marfan's syndrome; FBN1-Related Marfan Syndrome; MARFAN SYNDROME, TYPE I. Identifiers: Orphanet 284963, Orphanet 558, MedGen C0024796, MONDO:0007947, OMIM 154700.

Allele frequency attached by ClinVar (database versions not stated): TOPMed 0.00002.
gnomAD v4.1: 5 of 1,614,088 alleles (0.00031%); highest among the groups gnomAD compares: East Asian, 0.0089%; no homozygotes.

Submissions (4):

All of Us Research Program, National Institutes of Health
Classification: Likely benign for Marfan syndrome. Last evaluated: 2024-07-20. Review status: criteria provided, single submitter. Criteria: ACMG Guidelines, 2015. Collection method: clinical testing. Allele origin: germline. Inheritance: Autosomal dominant inheritance. Observed: 2 variant alleles, 2 heterozygotes.
Comment: This study involves interpretation of variants in research participants for the purpose of population health screening. Participant phenotype was not available at the time of variant classification. Additional details can be found in publication PMID: 35346344, PMCID: PMC8962531

Labcorp Genetics (formerly Invitae), Labcorp
Classification: Likely benign for Marfan syndrome; Familial thoracic aortic aneurysm and aortic dissection. Last evaluated: 2022-02-03. Review status: criteria provided, single submitter. Criteria: Invitae Variant Classification Sherloc (09022015). Collection method: clinical testing. Allele origin: germline.

Women's Health and Genetics/Laboratory Corporation of America, LabCorp
Classification: Likely benign. Last evaluated: 2021-11-21. Review status: criteria provided, single submitter. Criteria: LabCorp Variant Classification Summary - May 2015. Collection method: clinical testing. Allele origin: germline.

Color Diagnostics, LLC DBA Color Health
Classification: Likely benign for Familial thoracic aortic aneurysm and aortic dissection. Last evaluated: 2018-11-21. Review status: criteria provided, single submitter. Criteria: ACMG Guidelines, 2015. Collection method: clinical testing. Allele origin: germline.

NM_000138.5(FBN1):c.621G>A (p.Thr207=)

Gene: FBN1 (fibrillin 1; minus strand). Cytogenetic location: 15q21.1.
Variant type: single nucleotide variant.
Coding change: c.621G>A on transcript NM_000138.5 (MANE Select); coding-DNA position 621, G replaced by A.
Protein change: p.Thr207=; no amino-acid change (threonine 207 retained).
Molecular consequence: synonymous variant.
Genome position (GRCh38, 1-based): chr15:48,537,726, C>T on the plus strand (G>A on the coding strand, the complement: FBN1 is on the minus strand). VCF-style: chr15-48537726-C-T. GRCh37 (hg19) VCF-style: chr15-48829923-C-T.
Identifiers: ClinVar variation 924989 (VCV000924989.9), dbSNP rs765173237, ClinGen allele CA056473.